The following is an entry in ClinVar:

NM_017763.6(RNF43):c.786_787del (p.Gly263fs)

Gene: RNF43 (ring finger protein 43; minus strand). Cytogenetic location: 17q22.
Variant type: Deletion.
Coding change: c.786_787del on transcript NM_017763.6 (MANE Select); coding-DNA positions 786 to 787, 2 bases deleted (AG; older notation c.786_787delAG).
Protein change: p.Gly263fs; shifts the reading frame from glycine 263.
Molecular consequence: frameshift variant.
Genome position (GRCh38, 1-based): chr17:58,360,845-58,360,846, CT deleted on the plus strand (AG on the coding strand, the reverse complement: RNF43 is on the minus strand). VCF-style (leftmost placement, unchanged base first): chr17-58360844-CCT-C. GRCh37 (hg19) VCF-style: chr17-56438205-CCT-C.
Other names: c.786_787delAG, p.Gly263Glufs (NM_001305544.3); c.405_406delAG, p.Gly136Glufs (NM_001305545.2); short protein forms G136fs, G263fs.
Identifiers: ClinVar variation 3946815 (VCV003946815.2).

ClinVar aggregate classification (germline): Conflicting classifications of pathogenicity. Review status: criteria provided, conflicting classifications (1 of 4 stars). 2 submissions from 2 submitters: Pathogenic (1); Uncertain significance (1). Last evaluated 2025-12-15.

Conditions:
Sessile serrated polyposis cancer syndrome (SSPCS). Identifiers: Orphanet 157798, MedGen C4310714, MONDO:0014919, OMIM 617108.

Submissions (2):

Myriad Genetics, Inc.
Classification: Pathogenic for Sessile serrated polyposis cancer syndrome. Last evaluated: 2025-12-15. Review status: criteria provided, single submitter. Criteria: Myriad Autosomal Dominant, Autosomal Recessive and X-Linked Classification Criteria (2023). Collection method: clinical testing. Allele origin: unknown.
Comment: This variant is considered pathogenic. This variant creates a frameshift predicted to result in premature protein truncation.

Ambry Genetics
Classification: Uncertain significance. Last evaluated: 2025-03-17. Review status: criteria provided, single submitter. Criteria: Ambry Variant Classification Scheme 2023. Collection method: clinical testing. Allele origin: germline.
Comment: The c.786_787delAG variant, located in coding exon 6 of the RNF43 gene, results from a deletion of two nucleotides at nucleotide positions 786 to 787, causing a translational frameshift with a predicted alternate stop codon (p.G263Efs*18). This alteration is expected to result in loss of function by premature protein truncation or nonsense-mediated mRNA decay. The evidence for this gene-disease relationship is limited; therefore, the clinical significance of this alteration is unclear.